The following is an entry in ClinVar:

NM_000038.6(APC):c.5831G>T (p.Gly1944Val)

Gene: APC (APC regulator of Wnt signaling pathway; plus strand). Cytogenetic location: 5q22.2.
Variant type: single nucleotide variant.
Coding change: c.5831G>T on transcript NM_000038.6 (MANE Select); coding-DNA position 5831, G replaced by T.
Protein change: p.Gly1944Val; replaces glycine 1944 with valine.
Molecular consequence: missense variant.
Genome position (GRCh38, 1-based): chr5:112,841,425, G>T. VCF-style: chr5-112841425-G-T. GRCh37 (hg19) VCF-style: chr5-112177122-G-T.
Other names: c.5777G>T, p.Gly1926Val (NM_001127511.3); c.5831G>T, p.Gly1944Val (NM_001354895.2, NM_001127510.3); c.5885G>T, p.Gly1962Val (NM_001354896.2); c.5861G>T, p.Gly1954Val (NM_001354897.2); c.5756G>T, p.Gly1919Val (NM_001354898.2); c.5747G>T, p.Gly1916Val (NM_001354899.2); c.5708G>T, p.Gly1903Val (NM_001354900.2); c.5654G>T, p.Gly1885Val (NM_001354901.2); and 5 more; short protein forms G1944V, G1926V, G1843V, G1919V, G1661V, G1885V, G1784V, G1853V.
Identifiers: ClinVar variation 579032 (VCV000579032.10), dbSNP rs1561602972, ClinGen allele CA16034090.
Genomic context (GRCh38, chr5:112,841,425, plus strand): 5'-AACCCATACTTCAGAAACAATCCACTTTTCCCCAGTCATCCAAAGACATACCAGACAGAG[G>T]GGCAGCAACTGATGAAAAGTTACAGAATTTTGCTATTGAAAATACTCCGGTTTGCTTTTC-3'
Protein context (NP_000029.2, residues 1934-1954): PQSSKDIPDR[Gly1944Val]AATDEKLQNF

ClinVar aggregate classification (germline): Uncertain significance. Review status: criteria provided, multiple submitters, no conflicts (2 of 4 stars). 3 submissions from 3 submitters: Uncertain significance (3). Last evaluated 2026-07-07.

Conditions:
Hereditary cancer-predisposing syndrome. Also called: Neoplastic Syndromes, Hereditary; Hereditary Cancer Syndrome; Hereditary neoplastic syndrome; Tumor predisposition. Identifiers: Orphanet 140162, MedGen C0027672, MeSH D009386, MONDO:0015356.
Familial adenomatous polyposis 1 (FAP1). Also called: POLYPOSIS, ADENOMATOUS INTESTINAL; FAMILIAL ADENOMATOUS POLYPOSIS 1, ATTENUATED. Identifiers: MedGen C2713442, MONDO:0021056, OMIM 175100. Disease mechanism: loss of function.

Submissions (3):

Ambry Genetics
Classification: Uncertain significance for Hereditary cancer-predisposing syndrome. Last evaluated: 2026-07-07. Review status: criteria provided, single submitter. Criteria: Ambry Variant Classification Scheme 2023. Collection method: clinical testing. Allele origin: germline.
Comment: The p.G1944V variant (also known as c.5831G>T), located in coding exon 15 of the APC gene, results from a G to T substitution at nucleotide position 5831. The glycine at codon 1944 is replaced by valine, an amino acid with dissimilar properties. This amino acid position is conserved. In addition, in silico predictors for this gene do not accurately predict pathogenicity. Based on the available evidence, the clinical significance of this variant remains unclear.

Quest Diagnostics Nichols Institute San Juan Capistrano
Classification: Uncertain significance. Last evaluated: 2021-05-28. Review status: criteria provided, single submitter. Criteria: Quest Diagnostics criteria. Collection method: clinical testing. Allele origin: unknown.

Labcorp Genetics (formerly Invitae), Labcorp
Classification: Uncertain significance for Familial adenomatous polyposis 1. Last evaluated: 2018-05-31. Review status: criteria provided, single submitter. Criteria: Invitae Variant Classification Sherloc (09022015). Collection method: clinical testing. Allele origin: germline.
Comment: In summary, the available evidence is currently insufficient to determine the role of this variant in disease. Therefore, it has been classified as a Variant of Uncertain Significance. Algorithms developed to predict the effect of missense changes on protein structure and function output the following: SIFT: "Tolerated"; PolyPhen-2: "Benign"; Align-GVGD: "Class C0". The valine amino acid residue is found in multiple mammalian species, suggesting that this missense change does not adversely affect protein function. These predictions have not been confirmed by published functional studies and their clinical significance is uncertain. This variant has not been reported in the literature in individuals with APC-related disease. This variant is not present in population databases (ExAC no frequency). This sequence change replaces glycine with valine at codon 1944 of the APC protein (p.Gly1944Val). The glycine residue is highly conserved and there is a moderate physicochemical difference between glycine and valine.